The following is an entry in ClinVar:

ClinVar aggregate classification (germline): Uncertain significance (1 of 4 stars; one submission).

Submission:

Labcorp Genetics (formerly Invitae), Labcorp
Classification: Uncertain significance. Last evaluated: 2022-05-18. Review status: criteria provided, single submitter. Criteria: Invitae Variant Classification Sherloc (09022015). Collection method: clinical testing. Allele origin: germline.
Comment: This sequence change replaces lysine, which is basic and polar, with arginine, which is basic and polar, at codon 269 of the DIP2C protein (p.Lys269Arg). This variant is not present in population databases (gnomAD no frequency). This variant has not been reported in the literature in individuals affected with DIP2C-related conditions. Algorithms developed to predict the effect of missense changes on protein structure and function (SIFT, PolyPhen-2, Align-GVGD) all suggest that this variant is likely to be tolerated. In summary, the available evidence is currently insufficient to determine the role of this variant in disease. Therefore, it has been classified as a Variant of Uncertain Significance.

NM_014974.3(DIP2C):c.806A>G (p.Lys269Arg)

Genes: DIP2C (DIP2 acetate--CoA ligase C (putative); minus strand), LOC126860807 (CDK7 strongly-dependent group 2 enhancer GRCh37_chr10:461462-462661; plus strand). Cytogenetic location: 10p15.3.
Variant type: single nucleotide variant.
Coding change: c.806A>G on transcript NM_014974.3 (MANE Select); coding-DNA position 806, A replaced by G.
Protein change: p.Lys269Arg; replaces lysine 269 with arginine.
Molecular consequence: missense variant.
Genome position (GRCh38, 1-based): chr10:415,822, T>C on the plus strand (A>G on the coding strand, the complement: DIP2C is on the minus strand). VCF-style: chr10-415822-T-C. GRCh37 (hg19) VCF-style: chr10-461762-T-C.
Other names: short protein forms K269R.
Identifiers: ClinVar variation 1995945 (VCV001995945.4), dbSNP rs2540897671, ClinGen allele CA375832623.